The following is an entry in ClinVar:

ClinVar aggregate classification (germline): Likely benign (0 of 4 stars; one submission).

Conditions:
XIRP2-related disorder. Also called: XIRP2-related condition.

Allele frequency attached by ClinVar (database versions not stated): TOPMed 0.00007; ESP Exome Variant Server 0.00008; gnomAD 0.00026; 1000 Genomes Project 0.00200; 1000 Genomes Project 30x 0.00297.
gnomAD v4.1: 632 of 1,613,118 alleles (0.039%); highest among the groups gnomAD compares: South Asian, 0.6%; 4 homozygotes.

Submission:

PreventionGenetics, part of Exact Sciences
Classification: Likely benign for XIRP2-related condition. Last evaluated: 2020-02-26. Review status: no assertion criteria provided. Collection method: clinical testing. Allele origin: germline.
Comment: This variant is classified as likely benign based on ACMG/AMP sequence variant interpretation guidelines (Richards et al. 2015 PMID: 25741868, with internal and published modifications).

NM_152381.6(XIRP2):c.*655G>A

Gene: XIRP2 (xin actin binding repeat containing 2; plus strand). Cytogenetic location: 2q24.3.
Variant type: single nucleotide variant.
Coding change: c.*655G>A on transcript NM_152381.6 (MANE Select); 655 bases downstream of the stop codon, G replaced by A.
Molecular consequence: 3 prime UTR variant. On other transcripts: synonymous variant (3).
Genome position (GRCh38, 1-based): chr2:167,258,472, G>A. VCF-style: chr2-167258472-G-A. GRCh37 (hg19) VCF-style: chr2-168114982-G-A.
Other names: c.1926G>A, p.Pro642= (NM_001079810.4); c.2025G>A, p.Pro675= (NM_001199143.2); c.*655G>A (NM_001199144.2); c.1260G>A, p.Pro420= (NM_001199145.2).
Identifiers: ClinVar variation 3048284 (VCV003048284.2), dbSNP rs376654433, ClinGen allele CA1948442.